The following is an entry in ClinVar:

NM_018216.4(PANK4):c.1293C>T (p.Tyr431=)

Gene: PANK4 (pantothenate kinase 4 (inactive); minus strand). Cytogenetic location: 1p36.32.
Variant type: single nucleotide variant.
Coding change: c.1293C>T on transcript NM_018216.4 (MANE Select); coding-DNA position 1293, C replaced by T.
Protein change: p.Tyr431=; no amino-acid change (tyrosine 431 retained).
Molecular consequence: synonymous variant.
Genome position (GRCh38, 1-based): chr1:2,515,643, G>A on the plus strand (C>T on the coding strand, the complement: PANK4 is on the minus strand). VCF-style: chr1-2515643-G-A. GRCh37 (hg19) VCF-style: chr1-2447082-G-A.
Identifiers: ClinVar variation 2638086 (VCV002638086.24), dbSNP rs143863716, ClinGen allele CA540394.
Genomic context (GRCh38, chr1:2,515,643, plus strand): 5'-GCAGGTGAGCCAGTATTTTCGGGCCAGAGCGTCATCGGTGAGGTCCACCGTGTCGGGCAC[G>A]TAGGAGGGCGGGTCCAGGAGGAGCGGCAGGTCAACCAGTGGCCTCTCCAGCCGGTCCATT-3'
Protein context (NP_060686.3, residues 421-441): DLPLLLDPPS[Tyr431=]VPDTVDLTDD

ClinVar aggregate classification (germline): Likely benign (1 of 4 stars; one submission).

Allele frequency attached by ClinVar (database versions not stated): ExAC 0.00013; 1000 Genomes Project 30x 0.00031; TOPMed 0.00036; gnomAD 0.00037; gnomAD exomes 0.00039; 1000 Genomes Project 0.00040; ESP Exome Variant Server 0.00054.
gnomAD v4.1: 617 of 1,613,268 alleles (0.038%); highest among the groups gnomAD compares: Non-Finnish European, 0.049%; no homozygotes.

Submission:

CeGaT Center for Human Genetics Tuebingen
Classification: Likely benign. Last evaluated: 2022-11-01. Review status: criteria provided, single submitter. Criteria: CeGaT Center For Human Genetics Tuebingen Variant Classification Criteria Version 2. Collection method: clinical testing. Allele origin: germline. Affected: yes. Observed: 1 variant allele.
Comment: PANK4: BP4, BP7